The following is an entry in ClinVar:

NM_000057.4(BLM):c.2268del (p.Asp757fs)

Gene: BLM (BLM RecQ like helicase; plus strand). Cytogenetic location: 15q26.1.
Variant type: Deletion.
Coding change: c.2268del on transcript NM_000057.4 (MANE Select); coding-DNA position 2268, one base deleted (A; older notation c.2268delA).
Protein change: p.Asp757fs; shifts the reading frame from aspartic acid 757.
Molecular consequence: frameshift variant.
Genome position (GRCh38, 1-based): chr15:90,766,984, A deleted; the last of 7 consecutive A bases (chr15:90,766,978-90,766,984); deleting any one gives the same sequence. VCF-style (leftmost placement, unchanged base first): chr15-90766977-CA-C. GRCh37 (hg19) VCF-style: chr15-91310207-CA-C.
Other names: c.2268del, p.Asp757fs (NM_001287246.2, NM_001287247.2); c.1143del, p.Asp382fs (NM_001287248.2); c.2268delA (NM_000057.3); short protein forms D757fs, D382fs.
Identifiers: ClinVar variation 803135 (VCV000803135.14), dbSNP rs747341586, ClinGen allele CA7738705.

ClinVar aggregate classification (germline): Pathogenic/Likely pathogenic. Review status: criteria provided, multiple submitters, no conflicts (2 of 4 stars). 5 submissions from 5 submitters: Pathogenic (4); Likely pathogenic (1). Last evaluated 2025-09-30.

Conditions:
Bloom syndrome (BLM). Also called: Bloom-Torre-Machacek syndrome. Identifiers: Orphanet 125, MedGen C0005859, MONDO:0008876, OMIM 210900.
Hereditary cancer-predisposing syndrome. Also called: Neoplastic Syndromes, Hereditary; Hereditary Cancer Syndrome; Tumor predisposition; Hereditary neoplastic syndrome. Identifiers: Orphanet 140162, MedGen C0027672, MeSH D009386, MONDO:0015356.

Submissions (5):

Labcorp Genetics (formerly Invitae), Labcorp
Classification: Pathogenic for Bloom syndrome. Last evaluated: 2025-09-30. Review status: criteria provided, single submitter. Criteria: Invitae Variant Classification Sherloc (09022015). Collection method: clinical testing. Allele origin: germline.
Comment: This sequence change creates a premature translational stop signal (p.Asp757Thrfs*4) in the BLM gene. It is expected to result in an absent or disrupted protein product. Loss-of-function variants in BLM are known to be pathogenic (PMID: 17407155). This variant is not present in population databases (gnomAD no frequency). This variant has not been reported in the literature in individuals affected with BLM-related conditions. ClinVar contains an entry for this variant (Variation ID: 803135). For these reasons, this variant has been classified as Pathogenic.

Natera, Inc.
Classification: Pathogenic for Bloom syndrome. Last evaluated: 2024-10-01. Review status: criteria provided, single submitter. Criteria: Natera Variant Classification Schema (03/2026). Collection method: clinical testing. Allele origin: germline.
Comment: The c.2268delA variant in BLM is a frameshift variant predicted to shift the reading frame beginning at codon 757 and leads to a stop codon 4 codons downstream. This variant is expected to result in nonsense mediated decay, truncation, or a dysfunctional protein product. This variant is rare in the general population with a frequency below the threshold expected for the associated phenotype(s). This variant has been observed in one or more individuals affected with the associated recessive disease, as either homozygous or compound heterozygous with a second variant (PMID: 33258288). Given the available evidence, this variant is classified as Pathogenic.

Baylor Genetics
Classification: Likely pathogenic for Bloom syndrome. Last evaluated: 2024-03-27. Review status: criteria provided, single submitter. Criteria: ACMG Guidelines, 2015. Collection method: clinical testing. Allele origin: unknown.

Mendelics
Classification: Pathogenic for Bloom syndrome. Last evaluated: 2019-05-28. Review status: criteria provided, single submitter. Criteria: Mendelics Assertion Criteria 2017. Collection method: clinical testing. Allele origin: unknown.

Ambry Genetics
Classification: Pathogenic for Hereditary cancer-predisposing syndrome. Last evaluated: 2019-01-10. Review status: criteria provided, single submitter. Criteria: Ambry Variant Classification Scheme 2023. Collection method: clinical testing. Allele origin: germline.
Comment: The c.2268delA pathogenic mutation, located in coding exon 9 of the BLM gene, results from a deletion of one nucleotide at nucleotide position 2268, causing a translational frameshift with a predicted alternate stop codon (p.D757Tfs*4). This alteration is expected to result in loss of function by premature protein truncation or nonsense-mediated mRNA decay. As such, this alteration is interpreted as a disease-causing mutation.

Literature cited by the submitters: PubMed 17407155 (cited by Labcorp Genetics (formerly Invitae), Labcorp); PubMed 33258288 (cited by Natera, Inc.).